The following is an entry in ClinVar:

ClinVar aggregate classification (germline): Pathogenic (1 of 4 stars; one submission).

Conditions:
Ehlers-Danlos syndrome, dermatosparaxis type. Also called: Dermatosparaxis; Ehlers-Danlos syndrome, type VII, autosomal recessive; EDS VIIC. Identifiers: Orphanet 1901, MedGen C2700425, MONDO:0009161, OMIM 225410.

Submission:

Labcorp Genetics (formerly Invitae), Labcorp
Classification: Pathogenic for Ehlers-Danlos syndrome, dermatosparaxis type. Last evaluated: 2024-03-13. Review status: criteria provided, single submitter. Criteria: Invitae Variant Classification Sherloc (09022015). Collection method: clinical testing. Allele origin: germline.
Comment: This sequence change creates a premature translational stop signal (p.Glu142*) in the ADAMTS2 gene. It is expected to result in an absent or disrupted protein product. Loss-of-function variants in ADAMTS2 are known to be pathogenic (PMID: 10417273). This variant is not present in population databases (gnomAD no frequency). This variant has not been reported in the literature in individuals affected with ADAMTS2-related conditions. For these reasons, this variant has been classified as Pathogenic.

Literature cited by the submitters: PubMed 10417273.

NM_014244.5(ADAMTS2):c.424G>T (p.Glu142Ter)

Gene: ADAMTS2 (ADAM metallopeptidase with thrombospondin type 1 motif 2; minus strand). Cytogenetic location: 5q35.3.
Variant type: single nucleotide variant.
Coding change: c.424G>T on transcript NM_014244.5 (MANE Select); coding-DNA position 424, G replaced by T.
Protein change: p.Glu142Ter; replaces glutamic acid 142 with a stop codon.
Molecular consequence: nonsense.
Genome position (GRCh38, 1-based): chr5:179,343,877, C>A on the plus strand (G>T on the coding strand, the complement: ADAMTS2 is on the minus strand). VCF-style: chr5-179343877-C-A. GRCh37 (hg19) VCF-style: chr5-178770878-C-A.
Other names: c.424G>T, p.Glu142Ter (NM_021599.4); short protein forms E142*.
Identifiers: ClinVar variation 3645770 (VCV003645770.2).
Genomic context (GRCh38, chr5:179,343,877, plus strand): 5'-CCACGTCTCCGACGTAGAGACAGCTCCCGAGCAGGGGCTCCACGCGGGTGGTGCCCTTCT[C>A]GCCCTGCCACTCCATAGTGGCCCCGGGCGCCACGAGGCGGGCGTTGGGCCGCAGCCGCAG-3'